The following is an entry in ClinVar:

ClinVar aggregate classification (germline): Uncertain significance (1 of 4 stars; one submission).

Submission:

Ambry Genetics
Classification: Uncertain significance. Last evaluated: 2024-08-22. Review status: criteria provided, single submitter. Criteria: Ambry Variant Classification Scheme 2023. Collection method: clinical testing. Allele origin: germline.
Comment: The p.M2368I variant (also known as c.7104G>T), located in coding exon 25 of the POLQ gene, results from a G to T substitution at nucleotide position 7104. The methionine at codon 2368 is replaced by isoleucine, an amino acid with highly similar properties. This amino acid position is conserved. In addition, the in silico prediction for this alteration is inconclusive. Based on the available evidence, the clinical significance of this variant remains unclear.

NM_199420.4(POLQ):c.7104G>T (p.Met2368Ile)

Gene: POLQ (DNA polymerase theta; minus strand). Cytogenetic location: 3q13.33.
Variant type: single nucleotide variant.
Coding change: c.7104G>T on transcript NM_199420.4 (MANE Select); coding-DNA position 7104, G replaced by T.
Protein change: p.Met2368Ile; replaces methionine 2368 with isoleucine.
Molecular consequence: missense variant.
Genome position (GRCh38, 1-based): chr3:121,460,098, C>A on the plus strand (G>T on the coding strand, the complement: POLQ is on the minus strand). VCF-style: chr3-121460098-C-A. GRCh37 (hg19) VCF-style: chr3-121178945-C-A.
Other names: short protein forms M2368I.
Identifiers: ClinVar variation 3422509 (VCV003422509.1).